The following is an entry in ClinVar:

NM_133433.4(NIPBL):c.3293A>C (p.Glu1098Ala)

Gene: NIPBL (NIPBL cohesin loading factor; plus strand). Cytogenetic location: 5p13.2.
Variant type: single nucleotide variant.
Coding change: c.3293A>C on transcript NM_133433.4 (MANE Select); coding-DNA position 3293, A replaced by C.
Protein change: p.Glu1098Ala; replaces glutamic acid 1098 with alanine.
Molecular consequence: missense variant.
Genome position (GRCh38, 1-based): chr5:36,995,793, A>C. VCF-style: chr5-36995793-A-C. GRCh37 (hg19) VCF-style: chr5-36995895-A-C.
Other names: c.3293A>C, p.Glu1098Ala (NM_015384.5); short protein forms E1098A.
Identifiers: ClinVar variation 3368582 (VCV003368582.1).
Genomic context (GRCh38, chr5:36,995,793, plus strand): 5'-CAGTTAATGAAAAGCCAAAATATGCTGAAATCAGTTCAGATGAAGATAATGATAGTGATG[A>C]AGCTTTTGAATGTAAGTATCACAGAACTCTTTGTTATTATTTTAGAGTTTAAAAGCAGGT-3'
Protein context (NP_597677.2, residues 1088-1108): ISSDEDNDSD[Glu1098Ala]AFESSRKRHK

ClinVar aggregate classification (germline): Uncertain significance (1 of 4 stars; one submission).

gnomAD v4.1: 4 of 1,612,864 alleles (0.00025%); highest among the groups gnomAD compares: Non-Finnish European, 0.00034%; no homozygotes.

Submission:

GeneDx
Classification: Uncertain significance. Last evaluated: 2024-02-01. Review status: criteria provided, single submitter. Criteria: GeneDx Variant Classification Process June 2021. Collection method: clinical testing. Allele origin: germline. Affected: yes.
Comment: Not observed at significant frequency in large population cohorts (gnomAD); In silico analysis supports that this missense variant does not alter protein structure/function; Has not been previously published as pathogenic or benign to our knowledge